The following is an entry in ClinVar:

ClinVar aggregate classification (germline): Likely pathogenic (1 of 4 stars; one submission).

Submission:

Dasa
Classification: Likely pathogenic. Last evaluated: 2024-10-16. Review status: criteria provided, single submitter. Criteria: DASA Assertion Criteria. Collection method: clinical testing. Allele origin: germline.
Comment: NM_003801.4(GPAA1):c.813+1G>C affects a canonical splice site and is predicted to disrupt normal RNA splicing. Loss of function is an established disease mechanism for GPAA1-associated disorders. Also, this variant is absent from population databases. Based on the currently available evidence, this variant is classified as likely pathogenic.

NM_003801.4(GPAA1):c.813+1G>C

Gene: GPAA1 (glycosylphosphatidylinositol anchor attachment 1; plus strand). Cytogenetic location: 8q24.3.
Variant type: single nucleotide variant.
Coding change: c.813+1G>C on transcript NM_003801.4 (MANE Select); the canonical splice donor site of the intron after coding-DNA position 813, G replaced by C.
Molecular consequence: splice donor variant.
Genome position (GRCh38, 1-based): chr8:144,084,331, G>C. VCF-style: chr8-144084331-G-C. GRCh37 (hg19) VCF-style: chr8-145139234-G-C.
Identifiers: ClinVar variation 4881450 (VCV004881450.2).
Genomic context (GRCh38, chr8:144,084,331, plus strand): 5'-CTCAATCTCTTCCAGACCTTCTGCCAGAAAGGGGGCCTGTTGTGCACGCTTCAGGGCAAG[G>C]TGGGGCTGCCTGCCTGCCTGAGGGCTGAAGGGCACAGGGTCTGTGGGAGGGGCTGTCTCA-3'